The following is an entry in ClinVar:

ClinVar aggregate classification (germline): Uncertain significance (1 of 4 stars; one submission).

Submission:

Dasa
Classification: Uncertain significance. Last evaluated: 2024-10-07. Review status: criteria provided, single submitter. Criteria: DASA Assertion Criteria. Collection method: clinical testing. Allele origin: germline.
Comment: NM_014712.3(SETD1A):c.4274C>T (p.Thr1425Ile) is a missense variant that results in the substitution of threonine with isoleucine. This variant is absent from population databases. Computational prediction algorithms are consistent with a deleterious effect. The currently available literature and clinical evidence are not sufficient to establish a definitive association between this variant and the reported condition. Therefore, this variant is classified as a variant of uncertain significance.

NM_014712.3(SETD1A):c.4274C>T (p.Thr1425Ile)

Gene: SETD1A (SET domain containing 1A, histone lysine methyltransferase; plus strand). Cytogenetic location: 16p11.2.
Variant type: single nucleotide variant.
Coding change: c.4274C>T on transcript NM_014712.3 (MANE Select); coding-DNA position 4274, C replaced by T.
Protein change: p.Thr1425Ile; replaces threonine 1425 with isoleucine.
Molecular consequence: missense variant.
Genome position (GRCh38, 1-based): chr16:30,980,060, C>T. VCF-style: chr16-30980060-C-T. GRCh37 (hg19) VCF-style: chr16-30991381-C-T.
Other names: short protein forms T1425I.
Identifiers: ClinVar variation 4883279 (VCV004883279.2).